The following is an entry in ClinVar:

NM_001130144.3(LTBP3):c.412C>T (p.Arg138Cys)

Gene: LTBP3 (latent transforming growth factor beta binding protein 3; minus strand). Cytogenetic location: 11q13.1.
Variant type: single nucleotide variant.
Coding change: c.412C>T on transcript NM_001130144.3 (MANE Select); coding-DNA position 412, C replaced by T.
Protein change: p.Arg138Cys; replaces arginine 138 with cysteine.
Molecular consequence: missense variant.
Genome position (GRCh38, 1-based): chr11:65,554,300, G>A on the plus strand (C>T on the coding strand, the complement: LTBP3 is on the minus strand). VCF-style: chr11-65554300-G-A. GRCh37 (hg19) VCF-style: chr11-65321771-G-A.
Other names: c.61C>T, p.Arg21Cys (NM_001164266.1); c.412C>T, p.Arg138Cys (NM_021070.4); short protein forms R138C, R21C.
Identifiers: ClinVar variation 2629619 (VCV002629619.4), dbSNP rs1347310206, ClinGen allele CA381276665.

ClinVar aggregate classification (germline): Uncertain significance. Review status: criteria provided, multiple submitters, no conflicts (2 of 4 stars). 2 submissions from 2 submitters: Uncertain significance (2). Last evaluated 2025-08-17.

Conditions:
LTBP3-related disorder. Also called: LTBP3-related condition.
Brachyolmia-amelogenesis imperfecta syndrome. Also called: PLATYSPONDYLY WITH AMELOGENESIS IMPERFECTA; Tooth agenesis, selective, 6; Dental anomalies and short stature. Identifiers: Orphanet 2899, MedGen C1832594, MONDO:0011018, OMIM 601216. Disease mechanism: loss of function.

Allele frequency attached by ClinVar (database versions not stated): gnomAD exomes below 0.00001; gnomAD 0.00001.
gnomAD v4.1: 6 of 1,611,496 alleles (0.00037%); highest among the groups gnomAD compares: African/African-American, 0.0013%; no homozygotes.

Submissions (2):

Labcorp Genetics (formerly Invitae), Labcorp
Classification: Uncertain significance for Brachyolmia-amelogenesis imperfecta syndrome. Last evaluated: 2025-08-17. Review status: criteria provided, single submitter. Criteria: Invitae Variant Classification Sherloc (09022015). Collection method: clinical testing. Allele origin: germline.
Comment: This sequence change replaces arginine, which is basic and polar, with cysteine, which is neutral and slightly polar, at codon 138 of the LTBP3 protein (p.Arg138Cys). This variant is not present in population databases (gnomAD no frequency). This variant has not been reported in the literature in individuals affected with LTBP3-related conditions. ClinVar contains an entry for this variant (Variation ID: 2629619). An algorithm developed to predict the effect of missense changes on protein structure and function (PolyPhen-2) suggests that this variant is likely to be disruptive. In summary, the available evidence is currently insufficient to determine the role of this variant in disease. Therefore, it has been classified as a Variant of Uncertain Significance.

PreventionGenetics, part of Exact Sciences
Classification: Uncertain significance for LTBP3-related condition. Last evaluated: 2023-01-09. Review status: criteria provided, single submitter. Criteria: ACMG Guidelines, 2015. Collection method: clinical testing. Allele origin: germline.
Comment: The LTBP3 c.412C>T variant is predicted to result in the amino acid substitution p.Arg138Cys. To our knowledge, this variant has not been reported in the literature. This variant is reported in 0.00083% of alleles in individuals of European (Non-Finnish) descent in gnomAD. At this time, the clinical significance of this variant is uncertain due to the absence of conclusive functional and genetic evidence.